The following is an entry in ClinVar:

NM_001374353.1(GLI2):c.1567T>C (p.Cys523Arg)

Gene: GLI2 (GLI family zinc finger 2; plus strand). Cytogenetic location: 2q14.2.
Variant type: single nucleotide variant.
Coding change: c.1567T>C on transcript NM_001374353.1 (MANE Select); coding-DNA position 1567, T replaced by C.
Protein change: p.Cys523Arg; replaces cysteine 523 with arginine.
Molecular consequence: missense variant.
Genome position (GRCh38, 1-based): chr2:120,982,815, T>C. VCF-style: chr2-120982815-T-C. GRCh37 (hg19) VCF-style: chr2-121740391-T-C.
Other names: c.1618T>C, p.Cys540Arg (NM_001371271.1, NM_005270.5); c.1192T>C, p.Cys398Arg (NM_001374354.1); short protein forms C398R, C523R, C540R.
Identifiers: ClinVar variation 3773900 (VCV003773900.1).

ClinVar aggregate classification (germline): Uncertain significance (1 of 4 stars; one submission).

Submission:

GeneDx
Classification: Uncertain significance. Last evaluated: 2024-09-23. Review status: criteria provided, single submitter. Criteria: GeneDx Variant Classification Process June 2021. Collection method: clinical testing. Allele origin: germline. Affected: yes.
Comment: Not observed at significant frequency in large population cohorts (gnomAD); In silico analysis supports that this missense variant has a deleterious effect on protein structure/function; Has not been previously published as pathogenic or benign to our knowledge